The following is an entry in ClinVar:

ClinVar aggregate classification (germline): Uncertain significance. Review status: criteria provided, multiple submitters, no conflicts (2 of 4 stars). 2 submissions from 2 submitters: Uncertain significance (2). Last evaluated 2024-02-24.

Conditions:
Severe combined immunodeficiency due to DNA-PKcs deficiency. Also called: IMMUNODEFICIENCY 26 WITH NEUROLOGIC ABNORMALITIES; Immunodeficiency 26 with or without neurologic abnormalities. Identifiers: Orphanet 317425, MedGen C4014833, MONDO:0014423, OMIM 615966.

Allele frequency attached by ClinVar (database versions not stated): TOPMed below 0.00001; gnomAD exomes 0.00001; ExAC 0.00002; gnomAD 0.00002.
gnomAD v4.1: 10 of 1,613,930 alleles (0.00062%); highest among the groups gnomAD compares: African/African-American, 0.0013%; no homozygotes.

Submissions (2):

Labcorp Genetics (formerly Invitae), Labcorp
Classification: Uncertain significance for Severe combined immunodeficiency due to DNA-PKcs deficiency. Last evaluated: 2024-02-24. Review status: criteria provided, single submitter. Criteria: Invitae Variant Classification Sherloc (09022015). Collection method: clinical testing. Allele origin: germline.
Comment: This sequence change replaces asparagine, which is neutral and polar, with serine, which is neutral and polar, at codon 2176 of the PRKDC protein (p.Asn2176Ser). This variant is present in population databases (rs771522444, gnomAD 0.03%). This variant has not been reported in the literature in individuals affected with PRKDC-related conditions. ClinVar contains an entry for this variant (Variation ID: 2026833). Advanced modeling of protein sequence and biophysical properties (such as structural, functional, and spatial information, amino acid conservation, physicochemical variation, residue mobility, and thermodynamic stability) performed at Invitae indicates that this missense variant is not expected to disrupt PRKDC protein function with a negative predictive value of 80%. In summary, the available evidence is currently insufficient to determine the role of this variant in disease. Therefore, it has been classified as a Variant of Uncertain Significance.

Breakthrough Genomics
Classification: Uncertain significance. Review status: criteria provided, single submitter. Criteria: ACMG Guidelines, 2015. Collection method: not provided. Allele origin: germline. Inheritance: Autosomal recessive inheritance. Affected: yes.

NM_006904.7(PRKDC):c.6527A>G (p.Asn2176Ser)

Gene: PRKDC (protein kinase, DNA-activated, catalytic subunit; minus strand). Cytogenetic location: 8q11.21.
Variant type: single nucleotide variant.
Coding change: c.6527A>G on transcript NM_006904.7 (MANE Select); coding-DNA position 6527, A replaced by G.
Protein change: p.Asn2176Ser; replaces asparagine 2176 with serine.
Molecular consequence: missense variant.
Genome position (GRCh38, 1-based): chr8:47,857,238, T>C on the plus strand (A>G on the coding strand, the complement: PRKDC is on the minus strand). VCF-style: chr8-47857238-T-C. GRCh37 (hg19) VCF-style: chr8-48769799-T-C.
Other names: c.6527A>G, p.Asn2176Ser (NM_001081640.2); short protein forms N2176S.
Identifiers: ClinVar variation 2026833 (VCV002026833.5), dbSNP rs771522444, ClinGen allele CA4740326.